The following is an entry in ClinVar:

ClinVar aggregate classification (germline): Uncertain significance. Review status: criteria provided, multiple submitters, no conflicts (2 of 4 stars). 2 submissions from 2 submitters: Uncertain significance (2). Last evaluated 2025-07-14.

Conditions:
Hyperekplexia 1 (STHE). Also called: HYPEREKPLEXIA 1, AUTOSOMAL DOMINANT; HYPEREKPLEXIA 1, AUTOSOMAL RECESSIVE; STARTLE DISEASE, FAMILIAL; STIFF-BABY SYNDROME; STIFF-MAN SYNDROME, CONGENITAL; STIFF-PERSON SYNDROME, CONGENITAL. Identifiers: Orphanet 3197, MedGen C4551954, MONDO:0007868, OMIM 149400.
Hereditary hyperekplexia. Identifiers: Orphanet 3197, MedGen C4084968, MONDO:0021022.

Allele frequency attached by ClinVar (database versions not stated): TOPMed 0.00006.
gnomAD v4.1: 20 of 1,613,992 alleles (0.0012%); highest among the groups gnomAD compares: Non-Finnish European, 0.0012%; no homozygotes.

Submissions (2):

Labcorp Genetics (formerly Invitae), Labcorp
Classification: Uncertain significance for Hereditary hyperekplexia. Last evaluated: 2025-07-14. Review status: criteria provided, single submitter. Criteria: Invitae Variant Classification Sherloc (09022015). Collection method: clinical testing. Allele origin: germline.
Comment: This sequence change replaces proline, which is neutral and non-polar, with arginine, which is basic and polar, at codon 394 of the GLRA1 protein (p.Pro394Arg). This variant is present in population databases (rs62636581, gnomAD 0.003%). This variant has not been reported in the literature in individuals affected with GLRA1-related conditions. ClinVar contains an entry for this variant (Variation ID: 842196). Invitae Evidence Modeling of protein sequence and biophysical properties (such as structural, functional, and spatial information, amino acid conservation, physicochemical variation, residue mobility, and thermodynamic stability) indicates that this missense variant is not expected to disrupt GLRA1 protein function with a negative predictive value of 80%. In summary, the available evidence is currently insufficient to determine the role of this variant in disease. Therefore, it has been classified as a Variant of Uncertain Significance.

Illumina Laboratory Services, Illumina
Classification: Uncertain significance for Hyperekplexia 1. Last evaluated: 2018-01-12. Review status: criteria provided, single submitter. Criteria: ICSL Variant Classification Criteria 13 December 2019. Collection method: clinical testing. Allele origin: germline.

NM_000171.4(GLRA1):c.1181C>G (p.Pro394Arg)

Gene: GLRA1 (glycine receptor alpha 1; minus strand). Cytogenetic location: 5q33.1.
Variant type: single nucleotide variant.
Coding change: c.1181C>G on transcript NM_000171.4 (MANE Select); coding-DNA position 1181, C replaced by G.
Protein change: p.Pro394Arg; replaces proline 394 with arginine.
Molecular consequence: missense variant.
Genome position (GRCh38, 1-based): chr5:151,822,842, G>C on the plus strand (C>G on the coding strand, the complement: GLRA1 is on the minus strand). VCF-style: chr5-151822842-G-C. GRCh37 (hg19) VCF-style: chr5-151202403-G-C.
Other names: c.1205C>G, p.Pro402Arg (NM_001146040.2); c.932C>G, p.Pro311Arg (NM_001292000.2); short protein forms P402R, P394R, P311R.
Identifiers: ClinVar variation 842196 (VCV000842196.11), dbSNP rs62636581, ClinGen allele CA3523489.